The following is an entry in ClinVar:

ClinVar aggregate classification (germline): Benign/Likely benign. Review status: criteria provided, multiple submitters, no conflicts (2 of 4 stars). 9 submissions from 8 submitters: Benign (8); Likely benign (1). Last evaluated 2026-02-04.

Conditions:
Familial expansile osteolysis (FEO). Also called: MCCABE DISEASE; POLYOSTOTIC OSTEOLYTIC DYSPLASIA, HEREDITARY EXPANSILE. Identifiers: Orphanet 85195, MedGen C0432292, MONDO:0008275, OMIM 174810.
Autosomal recessive osteopetrosis 7. Identifiers: Orphanet 178389, MedGen C2676766, MONDO:0012859, OMIM 612301.

Allele frequency attached by ClinVar (database versions not stated): gnomAD exomes 0.94211 and 0.95785; ESP Exome Variant Server 0.95348; ExAC 0.95622; gnomAD 0.95903 and 0.95962; TOPMed 0.96377; 1000 Genomes Project 30x 0.98064; 1000 Genomes Project 0.98083.
gnomAD v4.1: 1,523,809 of 1,614,226 alleles (94%); highest among the groups gnomAD compares: East Asian, 100%; 719,688 homozygotes.

Submissions (9):

Labcorp Genetics (formerly Invitae), Labcorp
Classification: Benign. Last evaluated: 2026-02-04. Review status: criteria provided, single submitter. Criteria: Invitae Variant Classification Sherloc (09022015). Collection method: clinical testing. Allele origin: germline.

Blueprint Genetics
Classification: Benign. Last evaluated: 2024-11-28. Review status: criteria provided, single submitter. Criteria: ACMG Guidelines, 2015. Collection method: clinical testing. Allele origin: germline.

Mayo Clinic Laboratories, Mayo Clinic
Classification: Benign. Last evaluated: 2022-09-06. Review status: criteria provided, single submitter. Criteria: ACMG Guidelines, 2015. Collection method: clinical testing. Allele origin: germline. Observed: 55 variant alleles.

Genome-Nilou Lab
Classification: Benign for Familial expansile osteolysis. Last evaluated: 2021-09-10. Review status: criteria provided, single submitter. Criteria: ACMG Guidelines, 2015. Collection method: clinical testing. Allele origin: germline. Affected: no.

Genome-Nilou Lab
Classification: Benign for Autosomal recessive osteopetrosis 7. Last evaluated: 2021-09-10. Review status: criteria provided, single submitter. Criteria: ACMG Guidelines, 2015. Collection method: clinical testing. Allele origin: germline. Affected: no.

GeneDx
Classification: Benign. Last evaluated: 2018-11-12. Review status: criteria provided, single submitter. Criteria: GeneDx Variant Classification Process June 2021. Collection method: clinical testing. Allele origin: germline. Affected: yes.

Laboratory for Molecular Medicine, Mass General Brigham Personalized Medicine
Classification: Benign. Last evaluated: 2016-03-28. Review status: criteria provided, single submitter. Criteria: LMM Criteria. Collection method: clinical testing. Allele origin: germline.
Comment: Variant identified in a genome or exome case(s) and assessed due to predicted null impact of the variant or pathogenic assertions in the literature or databases. Disclaimer: This variant has not undergone full assessment. The following are preliminary notes: MAF

Breakthrough Genomics
Classification: Likely benign. Review status: criteria provided, single submitter. Criteria: ACMG Guidelines, 2015. Collection method: not provided. Allele origin: germline. Inheritance: Autosomal recessive inheritance. Affected: yes.

PreventionGenetics, part of Exact Sciences
Classification: Benign. Review status: criteria provided, single submitter. Criteria: ACMG Guidelines, 2015. Collection method: clinical testing. Allele origin: germline.

NM_003839.4(TNFRSF11A):c.933A>G (p.Thr311=)

Gene: TNFRSF11A (TNF receptor superfamily member 11a; plus strand). Cytogenetic location: 18q21.33.
Variant type: single nucleotide variant.
Coding change: c.933A>G on transcript NM_003839.4 (MANE Select); coding-DNA position 933, A replaced by G.
Protein change: p.Thr311=; no amino-acid change (threonine 311 retained).
Molecular consequence: synonymous variant. On other transcripts: intron variant (3).
Genome position (GRCh38, 1-based): chr18:62,368,850, A>G. VCF-style: chr18-62368850-A-G. GRCh37 (hg19) VCF-style: chr18-60036083-A-G.
Other names: p.Thr311=; c.891A>G, p.Thr297= (NM_001278268.2); c.783+2090A>G (NM_001270949.2); c.730+7057A>G (NM_001270950.2); c.616+8801A>G (NM_001270951.2).
Identifiers: ClinVar variation 259183 (VCV000259183.24), dbSNP rs8092336, ClinGen allele CA8983891.